The following is an entry in ClinVar:

NM_004415.4(DSP):c.5733G>A (p.Glu1911=)

Gene: DSP (desmoplakin; plus strand). Cytogenetic location: 6p24.3.
Variant type: single nucleotide variant.
Coding change: c.5733G>A on transcript NM_004415.4 (MANE Select); coding-DNA position 5733, G replaced by A.
Protein change: p.Glu1911=; no amino-acid change (glutamic acid 1911 retained).
Molecular consequence: synonymous variant.
Genome position (GRCh38, 1-based): chr6:7,582,995, G>A. VCF-style: chr6-7582995-G-A. GRCh37 (hg19) VCF-style: chr6-7583228-G-A.
Other names: c.3936G>A, p.Glu1312= (NM_001008844.3); c.4404G>A, p.Glu1468= (NM_001319034.2).
Identifiers: ClinVar variation 1749340 (VCV001749340.3), dbSNP rs1439469699, ClinGen allele CA448715506.
Genomic context (GRCh38, chr6:7,582,995, plus strand): 5'-GAAGAACAGTCTTAGGAGTGAGATCGAAAGACTCCAAGCAGAGATCAAGAGAATTGAAGA[G>A]AGGTGCAGGCGTAAGCTGGAGGATTCTACCAGGGAGACACAGTCACAGTTAGAAACAGAA-3'
Protein context (NP_004406.2, residues 1901-1921): RLQAEIKRIE[Glu1911=]RCRRKLEDST

ClinVar aggregate classification (germline): Conflicting classifications of pathogenicity. Review status: criteria provided, conflicting classifications (1 of 4 stars). 2 submissions from 2 submitters: Uncertain significance (1); Likely benign (1). Last evaluated 2023-04-03.

Conditions:
Cardiovascular phenotype. Identifiers: MedGen CN230736.
Arrhythmogenic cardiomyopathy with wooly hair and keratoderma. Also called: PALMOPLANTAR KERATODERMA WITH LEFT VENTRICULAR CARDIOMYOPATHY AND WOOLLY HAIR; Carvajal syndrome; Dilated cardiomyopathy with woolly hair and keratoderma; Arrhythmogenic cardiomyopathy with woolly hair and keratoderma. Identifiers: Orphanet 65282, MedGen C1854063, MONDO:0011581, OMIM 605676.

Allele frequency attached by ClinVar (database versions not stated): TOPMed below 0.00001.
gnomAD v4.1: 7 of 1,614,112 alleles (0.00043%); highest among the groups gnomAD compares: Non-Finnish European, 0.00059%; no homozygotes.

Submissions (2):

All of Us Research Program, National Institutes of Health
Classification: Uncertain significance for Arrhythmogenic cardiomyopathy with wooly hair and keratoderma. Last evaluated: 2023-04-03. Review status: criteria provided, single submitter. Criteria: ACMG Guidelines, 2015. Collection method: clinical testing. Allele origin: germline. Inheritance: Autosomal dominant inheritance. Observed: 1 variant allele, 1 heterozygote.
Comment: This variant is located in the DSP protein. To our knowledge, functional studies have not been reported for this variant. This variant has not been reported in individuals affected with DSP-related disorders in the literature. This variant has been identified in 1/31382 chromosomes in the general population by the Genome Aggregation Database (gnomAD). The available evidence is insufficient to determine the role of this variant in disease conclusively. Therefore, this variant is classified as a Variant of Uncertain Significance.

This study involves interpretation of variants in research participants for the purpose of population health screening. Participant phenotype was not available at the time of variant classification. Additional details can be found in publication PMID: 35346344, PMCID: PMC8962531

Ambry Genetics
Classification: Likely benign for Cardiovascular phenotype. Last evaluated: 2021-09-01. Review status: criteria provided, single submitter. Criteria: Ambry Variant Classification Scheme 2023. Collection method: clinical testing. Allele origin: germline.